The following is an entry in ClinVar:

ClinVar aggregate classification (germline): Uncertain significance (1 of 4 stars; one submission).

Conditions:
CSDE1-related disorder. Also called: CSDE1-related condition.

Submission:

PreventionGenetics, part of Exact Sciences
Classification: Uncertain significance for CSDE1-related condition. Last evaluated: 2026-09-04. Review status: criteria provided, single submitter. Criteria: ACMG Guidelines, 2015. Collection method: clinical testing. Allele origin: germline.
Comment: The CSDE1 c.1825C>G variant is predicted to result in the amino acid substitution p.Pro609Ala. To our knowledge, this variant has not been reported in the literature. This variant is absent in a large population database (gnomAD), indicating this variant is rare. At this time, the clinical significance of this variant is uncertain due to the absence of conclusive functional and genetic evidence.

NM_001007553.3(CSDE1):c.1780C>G (p.Pro594Ala)

Gene: CSDE1 (cold shock domain containing E1; minus strand). Cytogenetic location: 1p13.2.
Variant type: single nucleotide variant.
Coding change: c.1780C>G on transcript NM_001007553.3 (MANE Select); coding-DNA position 1780, C replaced by G.
Protein change: p.Pro594Ala; replaces proline 594 with alanine.
Molecular consequence: missense variant.
Genome position (GRCh38, 1-based): chr1:114,723,976, G>C on the plus strand (C>G on the coding strand, the complement: CSDE1 is on the minus strand). VCF-style: chr1-114723976-G-C. GRCh37 (hg19) VCF-style: chr1-115266597-G-C.
Other names: c.1825C>G, p.Pro609Ala (NM_001130523.3); c.1918C>G, p.Pro640Ala (NM_001242891.2); c.1780C>G, p.Pro594Ala (NM_001242892.2); c.1687C>G, p.Pro563Ala (NM_001242893.2, NM_007158.6); short protein forms P594A, P563A, P609A, P640A.
Identifiers: ClinVar variation 4982002 (VCV004982002.1).